The following is an entry in ClinVar:

ClinVar aggregate classification (germline): Pathogenic (1 of 4 stars; one submission).

Submission:

Labcorp Genetics (formerly Invitae), Labcorp
Classification: Pathogenic. Last evaluated: 2023-10-28. Review status: criteria provided, single submitter. Criteria: Invitae Variant Classification Sherloc (09022015). Collection method: clinical testing. Allele origin: germline.
Comment: This sequence change creates a premature translational stop signal (p.Glu1808Serfs*3) in the ANK1 gene. It is expected to result in an absent or disrupted protein product. Loss-of-function variants in ANK1 are known to be pathogenic (PMID: 8640229). This variant is not present in population databases (gnomAD no frequency). This premature translational stop signal has been observed in individual(s) with spherocytosis (PMID: 31598945). This variant is also known as NM_001142445:c.247delG (p.Gln83Serfs*3). For these reasons, this variant has been classified as Pathogenic.

Literature cited by the submitters: PubMed 8640229; PubMed 31598945.

NM_000037.4(ANK1):c.5422del (p.Glu1808fs)

Gene: ANK1 (ankyrin 1; minus strand). Cytogenetic location: 8p11.21.
Variant type: Deletion.
Coding change: c.5422del on transcript NM_000037.4 (MANE Select); coding-DNA position 5422, one base deleted (G; older notation c.5422delG).
Protein change: p.Glu1808fs; shifts the reading frame from glutamic acid 1808.
Molecular consequence: frameshift variant.
Genome position (GRCh38, 1-based): chr8:41,663,715, C deleted on the plus strand (G on the coding strand, the reverse complement: ANK1 is on the minus strand); the first of 4 consecutive C bases (chr8:41,663,715-41,663,718); deleting any one gives the same sequence. VCF-style (leftmost placement, unchanged base first): chr8-41663714-TC-T. GRCh37 (hg19) VCF-style: chr8-41521232-TC-T.
Other names: c.247del, p.Glu83fs (NM_001142445.2, NM_020478.5, NM_020480.5); c.5545del, p.Glu1849fs (NM_001142446.2); c.5422del, p.Glu1808fs (NM_020475.3, NM_020476.3); c.4936del, p.Glu1646fs (NM_020477.3); short protein forms E1646fs, E83fs, E1808fs, E1849fs.
Identifiers: ClinVar variation 2780130 (VCV002780130.3), dbSNP rs2487561526, ClinGen allele CA2695209199.